The following is an entry in ClinVar:

NC_000002.11:g.(?_228552113)_(228567034_?)del

Gene: SLC19A3 (solute carrier family 19 member 3; minus strand). Cytogenetic location: 2q36.3.
Variant type: Deletion.
Identifiers: ClinVar variation 1460288 (VCV001460288.3).

ClinVar aggregate classification (germline): Pathogenic (1 of 4 stars; one submission).

Conditions:
Biotin-responsive basal ganglia disease (BTBGD). Also called: Thiamine metabolism dysfunction syndrome 2 (biotin- or thiamine-responsive encephalopathy type 2); thiamine-responsive encephalopathy; Thiamine metabolism dysfunction syndrome type 2; THIAMINE METABOLISM DYSFUNCTION SYNDROME 2 (BIOTIN- AND THIAMINE-RESPONSIVE TYPE); Thiamine Transporter-2 Deficiency. Identifiers: Orphanet 199348, Orphanet 65284, MedGen C1843807, MONDO:0011841, OMIM 607483.

Submission:

Labcorp Genetics (formerly Invitae), Labcorp
Classification: Pathogenic for Biotin-responsive basal ganglia disease. Last evaluated: 2023-10-14. Review status: criteria provided, single submitter. Criteria: Invitae Variant Classification Sherloc (09022015). Collection method: clinical testing. Allele origin: germline.
Comment: A gross deletion of the genomic region encompassing the full coding sequence of the SLC19A3 gene has been identified. Loss-of-function variants in SLC19A3 are known to be pathogenic (PMID: 23423671, 23482991). The boundaries of this event are unknown as they extend beyond the assayed region for this gene and therefore may encompass additional genes. This variant has not been reported in the literature in individuals affected with SLC19A3-related conditions. For these reasons, this variant has been classified as Pathogenic.

Literature cited by the submitters: PubMed 23423671; PubMed 23482991.